The following is an entry in ClinVar:

NM_001267550.2(TTN):c.16508T>A (p.Leu5503Ter)

Gene: TTN (titin; minus strand). Cytogenetic location: 2q31.2.
Variant type: single nucleotide variant.
Coding change: c.16508T>A on transcript NM_001267550.2 (MANE Select); coding-DNA position 16508, T replaced by A.
Protein change: p.Leu5503Ter; replaces leucine 5503 with a stop codon.
Molecular consequence: nonsense. On other transcripts: intron variant (3).
Genome position (GRCh38, 1-based): chr2:178,732,553, A>T on the plus strand (T>A on the coding strand, the complement: TTN is on the minus strand). VCF-style: chr2-178732553-A-T. GRCh37 (hg19) VCF-style: chr2-179597280-A-T.
Other names: c.15557T>A, p.Leu5186Ter (NM_001256850.1); c.12776T>A, p.Leu4259Ter (NM_133378.4); c.13282+5529T>A (NM_003319.4); c.13858+5529T>A (NM_133437.4); c.13657+5529T>A (NM_133432.3); short protein forms L4259*, L5186*, L5503*.
Identifiers: ClinVar variation 1335938 (VCV001335938.8), dbSNP rs2154310403, ClinGen allele CA349583895.

ClinVar aggregate classification (germline): Likely pathogenic. Review status: criteria provided, multiple submitters, no conflicts (2 of 4 stars). 3 submissions from 3 submitters: Likely pathogenic (3). Last evaluated 2025-07-07.

Conditions:
Dilated cardiomyopathy 1G (CMD1G). Identifiers: Orphanet 154, MedGen C1858763, MONDO:0011400, OMIM 604145.
Autosomal recessive limb-girdle muscular dystrophy type 2J (LGMDR10). Also called: MUSCULAR DYSTROPHY, LIMB-GIRDLE, AUTOSOMAL RECESSIVE 10; Limb-girdle muscular dystrophy, type 2J. Identifiers: Orphanet 140922, MedGen C1837342, MONDO:0012127, OMIM 608807.

Submissions (3):

Labcorp Genetics (formerly Invitae), Labcorp
Classification: Likely pathogenic for Dilated cardiomyopathy 1G; Autosomal recessive limb-girdle muscular dystrophy type 2J. Last evaluated: 2025-07-07. Review status: criteria provided, single submitter. Criteria: Invitae Variant Classification Sherloc (09022015). Collection method: clinical testing. Allele origin: germline.
Comment: This sequence change creates a premature translational stop signal (p.Leu5503*) in the TTN gene. While this is not anticipated to result in nonsense mediated decay, it is expected to create a truncated TTN protein. This variant is not present in population databases (gnomAD no frequency). This variant has not been reported in the literature in individuals affected with TTN-related conditions. ClinVar contains an entry for this variant (Variation ID: 1335938). Algorithms developed to predict the effect of sequence changes on RNA splicing suggest that this variant may disrupt the consensus splice site. This variant is located in the I band of TTN (PMID: 25589632). Truncating variants in this region have been reported in individuals affected with autosomal recessive centronuclear myopathy (PMID: 23975875, internal data). Truncating variants in this region have also been identified in individuals affected with autosomal dominant dilated cardiomyopathy and/or cardio-related conditions (PMID: 27869827, 32964742, internal data). In summary, the currently available evidence indicates that the variant is pathogenic, but additional data are needed to prove that conclusively. Therefore, this variant has been classified as Likely Pathogenic.

AiLife Diagnostics
Classification: Likely pathogenic. Last evaluated: 2021-08-20. Review status: criteria provided, single submitter. Criteria: ACMG Guidelines, 2015. Collection method: clinical testing. Allele origin: germline. Affected: yes. Observed: 1 variant allele.

Genetic Services Laboratory, University of Chicago
Classification: Likely pathogenic. Last evaluated: 2020-07-07. Review status: criteria provided, single submitter. Criteria: ACMG Guidelines, 2015. Collection method: clinical testing. Allele origin: germline. Affected: yes.
Comment: The c.12776T>A variant in exon 57 results in the creation of a premature stop codon at amino acid position 4259, p.Leu4259*. This variant is predicted to result in an abnormal transcript, which may be degraded, or may lead to the production of a truncated TTN protein with potentially abnormal function. The p.Leu4259* change has not been described in population databases (gnomAD, ExAC) and has also not been described in individuals with TTN-related disorders. Loss of function variants, both upstream and downstream of this variant, have been described in individuals with TTN-related disorders.

Literature cited by the submitters: PubMed 25589632 (cited by Labcorp Genetics (formerly Invitae), Labcorp); PubMed 23975875 (cited by Labcorp Genetics (formerly Invitae), Labcorp); PubMed 27869827 (cited by Labcorp Genetics (formerly Invitae), Labcorp); PubMed 32964742 (cited by Labcorp Genetics (formerly Invitae), Labcorp).